The following is an entry in ClinVar:

NM_000541.5(SAG):c.375G>A (p.Thr125=)

Gene: SAG (S-antigen visual arrestin; plus strand). Cytogenetic location: 2q37.1.
Variant type: single nucleotide variant.
Coding change: c.375G>A on transcript NM_000541.5 (MANE Select); coding-DNA position 375, G replaced by A.
Protein change: p.Thr125=; no amino-acid change (threonine 125 retained).
Molecular consequence: synonymous variant.
Genome position (GRCh38, 1-based): chr2:233,320,823, G>A. VCF-style: chr2-233320823-G-A. GRCh37 (hg19) VCF-style: chr2-234229469-G-A.
Identifiers: ClinVar variation 3383408 (VCV003383408.3).
Genomic context (GRCh38, chr2:233,320,823, plus strand): 5'-AAAACTGCAAGAGAGCCTGCTTAAAAAGCTGGGGAGCAACACGTACCCCTTTCTCCTGAC[G>A]GTGGGTGACTCCTCCGGCCAGCCCTGCTTCCTTCACCCGCAGCACCTTATCATGTGGATG-3'
Protein context (NP_000532.2, residues 115-135): LGSNTYPFLL[Thr125=]FPDYLPCSVM

ClinVar aggregate classification (germline): Uncertain significance. Review status: criteria provided, multiple submitters, no conflicts (2 of 4 stars). 2 submissions from 2 submitters: Uncertain significance (2). Last evaluated 2025-11-26.

gnomAD v4.1: 13 of 1,582,886 alleles (0.00082%); highest among the groups gnomAD compares: South Asian, 0.0023%; no homozygotes.

Submissions (2):

Women's Health and Genetics/Laboratory Corporation of America, LabCorp
Classification: Uncertain significance. Last evaluated: 2025-11-26. Review status: criteria provided, single submitter. Criteria: LabCorp Variant Classification Summary - May 2015. Collection method: clinical testing. Allele origin: germline.
Comment: Variant summary: SAG c.375G>A (p.Thr125Thr) alters a non-conserved nucleotide located to the last nucleotide of exon 5 and therefore could affect mRNA splicing, leading to a significantly altered protein sequence. Several computational tools predict a significant impact on normal splicing: two predict the variant abolishes the 5' splicing donor site, while two predict the variant weakens the 5' donor site. However, these predictions have yet to be confirmed by functional studies. The variant allele was found at a frequency of 8.2e-06 in 1575960 control chromosomes (gnomAD). This frequency is not significantly higher than estimated for disease-causing variants in SAG, allowing no conclusion about variant significance. To our knowledge, no occurrence of c.375G>A in individuals affected with SAG-related conditions and no experimental evidence demonstrating its impact on protein function have been reported. The following publication have been ascertained in the context of this evaluation (PMID: 35982160). ClinVar contains an entry for this variant (Variation ID: 3383408). Based on the evidence outlined above, the variant was classified as uncertain significance.

Centre of Medical Genetics, University Hospital Muenster
Classification: Uncertain significance. Last evaluated: 2023-11-02. Review status: criteria provided, single submitter. Criteria: ACMG Guidelines, 2015. Collection method: clinical testing. Allele origin: unknown. Affected: yes. Observed: 1 variant allele, 1 heterozygote.
Comment: ACMG categories: PM2,PP3

Literature cited by the submitters: PubMed 35982160 (cited by Women's Health and Genetics/Laboratory Corporation of America, LabCorp).